The following is an entry in ClinVar:

NM_000038.6(APC):c.1806T>C (p.Asn602=)

Gene: APC (APC regulator of Wnt signaling pathway; plus strand). Cytogenetic location: 5q22.2.
Variant type: single nucleotide variant.
Coding change: c.1806T>C on transcript NM_000038.6 (MANE Select); coding-DNA position 1806, T replaced by C.
Protein change: p.Asn602=; no amino-acid change (asparagine 602 retained).
Molecular consequence: synonymous variant.
Genome position (GRCh38, 1-based): chr5:112,835,013, T>C. VCF-style: chr5-112835013-T-C. GRCh37 (hg19) VCF-style: chr5-112170710-T-C.
Other names: c.1806T>C, p.Asn602= (NM_001127510.3, NM_001354895.2); c.1752T>C, p.Asn584= (NM_001127511.3); c.1860T>C, p.Asn620= (NM_001354896.2); c.1836T>C, p.Asn612= (NM_001354897.2); c.1731T>C, p.Asn577= (NM_001354898.2); c.1722T>C, p.Asn574= (NM_001354899.2); c.1683T>C, p.Asn561= (NM_001354900.2); c.1629T>C, p.Asn543= (NM_001354901.2); and 5 more.
Identifiers: ClinVar variation 1080324 (VCV001080324.11), dbSNP rs2149841734, ClinGen allele CA445758848.

ClinVar aggregate classification (germline): Benign/Likely benign. Review status: criteria provided, multiple submitters, no conflicts (2 of 4 stars). 2 submissions from 2 submitters: Benign (1); Likely benign (1). Last evaluated 2024-03-07.

Conditions:
Familial adenomatous polyposis 1 (FAP1). Also called: FAMILIAL ADENOMATOUS POLYPOSIS 1, ATTENUATED; POLYPOSIS, ADENOMATOUS INTESTINAL. Identifiers: MedGen C2713442, MONDO:0021056, OMIM 175100. Disease mechanism: loss of function.

Submissions (2):

Myriad Genetics, Inc.
Classification: Benign for Familial adenomatous polyposis 1. Last evaluated: 2024-03-07. Review status: criteria provided, single submitter. Criteria: Myriad Autosomal Dominant, Autosomal Recessive and X-Linked Classification Criteria (2023). Collection method: clinical testing. Allele origin: unknown.
Comment: This variant is considered benign. This variant is a silent/synonymous amino acid change and it is not expected to impact splicing.

Labcorp Genetics (formerly Invitae), Labcorp
Classification: Likely benign for Familial adenomatous polyposis 1. Last evaluated: 2020-10-30. Review status: criteria provided, single submitter. Criteria: Invitae Variant Classification Sherloc (09022015). Collection method: clinical testing. Allele origin: germline.